The following is an entry in ClinVar:

ClinVar aggregate classification (germline): Benign/Likely benign. Review status: criteria provided, multiple submitters, no conflicts (2 of 4 stars). 12 submissions from 7 submitters: Benign (6); Likely benign (6). Last evaluated 2026-01-05.

Conditions:
TRPV4-related disorder. Also called: TRPV4-related disorders; TRPV4-related condition.
Neuronopathy, distal hereditary motor, autosomal dominant 8. Also called: SPINAL MUSCULAR ATROPHY, CONGENITAL BENIGN, WITH CONTRACTURES; NEURONOPATHY, DISTAL HEREDITARY MOTOR, TYPE VIII; NEUROPATHY, DISTAL HEREDITARY MOTOR, TYPE VIII; Autosomal dominant congenital benign spinal muscular atrophy. Identifiers: Orphanet 1216, MedGen C1838492, MONDO:0010839, OMIM 600175.
Brachyrachia (short spine dysplasia) (BCYM3). Also called: BRACHYRACHIA; Autosomal dominant brachyolmia; Brachyolmia Type 3; Brachyolmia, TRPV4-Related. Identifiers: Orphanet 93304, MedGen C0432227, MONDO:0007232, OMIM 113500.
Scapuloperoneal spinal muscular atrophy (SPSMA). Also called: AMYOTROPHY, NEUROGENIC SCAPULOPERONEAL, NEW ENGLAND TYPE; Scapuloperoneal Form of Spinal Muscular Atrophy; Scapuloperoneal spinal muscular atrophy, autosomal dominant; Scapuloperoneal Spinal Muscular Atrophy, TRPV4-Related. Identifiers: Orphanet 431255, MedGen C0751335, MONDO:0008408, OMIM 181405.
Charcot-Marie-Tooth disease axonal type 2C (HMSN2C). Also called: Charcot-Marie-Tooth Disease Type 2, TRPV4-Related (CMT2C); CHARCOT-MARIE-TOOTH DISEASE, AXONAL, AUTOSOMAL DOMINANT, TYPE 2C; Charcot-Marie-Tooth Neuropathy Type 2C. Identifiers: Orphanet 99937, MedGen C1853710, MONDO:0011633, OMIM 606071.
Metatropic dysplasia (MTD). Also called: Metatropic dysplasia, nonlethal dominant; METATROPIC DWARFISM; Metatropic Dysplasia, TRPV4-Related. Identifiers: Orphanet 2635, MedGen C0265281, MONDO:0007986, OMIM 156530.
Inborn genetic diseases. Identifiers: MedGen C0950123, MeSH D030342.
Spondylometaphyseal dysplasia, Kozlowski type (SMDK). Also called: Dysmorphism arthrogryposis skeletal maturation advanced; Jequier-Kozlowski syndrome; Skeletal dysplasia Jequier-Kozlowski type; SMD Kozlowski type; Spondylometaphyseal Dysplasia, TRPV4-Related (Kozlowski Type). Identifiers: Orphanet 93314, MedGen C0265280, MONDO:0008477, OMIM 184252.

Allele frequency attached by ClinVar (database versions not stated): ESP Exome Variant Server 0.00031; gnomAD exomes 0.00005 and 0.00009; ExAC 0.00011; 1000 Genomes Project 30x 0.00016; 1000 Genomes Project 0.00020; TOPMed 0.00025; gnomAD 0.00026.
gnomAD v4.1: 115 of 1,614,204 alleles (0.0071%); highest among the groups gnomAD compares: African/African-American, 0.11%; no homozygotes.

Submissions (12):

Labcorp Genetics (formerly Invitae), Labcorp
Classification: Likely benign for Charcot-Marie-Tooth disease axonal type 2C. Last evaluated: 2026-01-05. Review status: criteria provided, single submitter. Criteria: Invitae Variant Classification Sherloc (09022015). Collection method: clinical testing. Allele origin: germline.

PreventionGenetics, part of Exact Sciences
Classification: Likely benign for TRPV4-related condition. Last evaluated: 2025-04-03. Review status: criteria provided, single submitter. Criteria: ACMG Guidelines, 2015. Collection method: clinical testing. Allele origin: germline.
Comment: This variant is classified as likely benign based on ACMG/AMP sequence variant interpretation guidelines (Richards et al. 2015 PMID: 25741868, with internal and published modifications).

Ambry Genetics
Classification: Likely benign for Inborn genetic diseases. Last evaluated: 2019-07-11. Review status: criteria provided, single submitter. Criteria: Ambry Variant Classification Scheme 2023. Collection method: clinical testing. Allele origin: germline.

GeneDx
Classification: Likely benign. Last evaluated: 2018-08-23. Review status: criteria provided, single submitter. Criteria: GeneDx Variant Classification Process June 2021. Collection method: clinical testing. Allele origin: germline. Affected: yes.

Athena Diagnostics
Classification: Benign. Last evaluated: 2018-04-26. Review status: criteria provided, single submitter. Criteria: Athena Diagnostics Criteria. Collection method: clinical testing. Allele origin: germline.

Illumina Laboratory Services, Illumina
Classification: Benign for Scapuloperoneal spinal muscular atrophy. Last evaluated: 2018-01-13. Review status: criteria provided, single submitter. Criteria: ICSL Variant Classification Criteria 13 December 2019. Collection method: clinical testing. Allele origin: germline.
Comment: This variant was observed in the ICSL laboratory as part of a predisposition screen in an ostensibly healthy population. It had not been previously curated by ICSL or reported in the Human Gene Mutation Database (HGMD: prior to June 1st, 2018), and was therefore a candidate for classification through an automated scoring system. Utilizing variant allele frequency, disease prevalence and penetrance estimates, and inheritance mode, an automated score was calculated to assess if this variant is too frequent to cause the disease. Based on the score and internal cut-off values, a variant classified as benign is not then subjected to further curation. The score for this variant resulted in a classification of benign for this disease.

Illumina Laboratory Services, Illumina
Classification: Benign for Metatropic dysplasia. Last evaluated: 2018-01-13. Review status: criteria provided, single submitter. Criteria: ICSL Variant Classification Criteria 13 December 2019. Collection method: clinical testing. Allele origin: germline.
Comment: the same text as in the submission from Illumina Laboratory Services, Illumina above.

Illumina Laboratory Services, Illumina
Classification: Benign for Neuronopathy, distal hereditary motor, autosomal dominant 8. Last evaluated: 2018-01-13. Review status: criteria provided, single submitter. Criteria: ICSL Variant Classification Criteria 13 December 2019. Collection method: clinical testing. Allele origin: germline.
Comment: the same text as in the submission from Illumina Laboratory Services, Illumina above.

Illumina Laboratory Services, Illumina
Classification: Benign for Spondylometaphyseal dysplasia, Kozlowski type. Last evaluated: 2018-01-13. Review status: criteria provided, single submitter. Criteria: ICSL Variant Classification Criteria 13 December 2019. Collection method: clinical testing. Allele origin: germline.
Comment: the same text as in the submission from Illumina Laboratory Services, Illumina above.

Illumina Laboratory Services, Illumina
Classification: Likely benign for Charcot-Marie-Tooth disease axonal type 2C. Last evaluated: 2018-01-13. Review status: criteria provided, single submitter. Criteria: ICSL Variant Classification Criteria 13 December 2019. Collection method: clinical testing. Allele origin: germline.
Comment: This variant was observed in the ICSL laboratory as part of a predisposition screen in an ostensibly healthy population. It had not been previously curated by ICSL or reported in the Human Gene Mutation Database (HGMD: prior to June 1st, 2018), and was therefore a candidate for classification through an automated scoring system. Utilizing variant allele frequency, disease prevalence and penetrance estimates, and inheritance mode, an automated score was calculated to assess if this variant is too frequent to cause the disease. Based on the score and internal cut-off values, a variant classified as likely benign is not then subjected to further curation. The score for this variant resulted in a classification of likely benign for this disease.

Illumina Laboratory Services, Illumina
Classification: Benign for Brachyrachia (short spine dysplasia). Last evaluated: 2018-01-13. Review status: criteria provided, single submitter. Criteria: ICSL Variant Classification Criteria 13 December 2019. Collection method: clinical testing. Allele origin: germline.
Comment: the same text as in the submission from Illumina Laboratory Services, Illumina above.

Breakthrough Genomics
Classification: Likely benign. Review status: criteria provided, single submitter. Criteria: ACMG Guidelines, 2015. Collection method: not provided. Allele origin: germline. Inheritance: Autosomal dominant inheritance. Affected: yes.

NM_021625.5(TRPV4):c.501C>T (p.Asp167=)

Gene: TRPV4 (transient receptor potential cation channel subfamily V member 4; minus strand). Cytogenetic location: 12q24.11.
Variant type: single nucleotide variant.
Coding change: c.501C>T on transcript NM_021625.5 (MANE Select); coding-DNA position 501, C replaced by T.
Protein change: p.Asp167=; no amino-acid change (aspartic acid 167 retained).
Molecular consequence: synonymous variant.
Genome position (GRCh38, 1-based): chr12:109,808,354, G>A on the plus strand (C>T on the coding strand, the complement: TRPV4 is on the minus strand). VCF-style: chr12-109808354-G-A. GRCh37 (hg19) VCF-style: chr12-110246159-G-A.
Other names: c.501C>T, p.Asp167= (NM_001177428.2, NM_001177433.2, NM_147204.3); c.399C>T, p.Asp133= (NM_001177431.2).
Identifiers: ClinVar variation 307141 (VCV000307141.21), dbSNP rs77680510, ClinGen allele CA6780527.
Genomic context (GRCh38, chr12:109,808,354, plus strand): 5'-ACCTCGAAACTCCTCATCAGTTAGGCGTTTCTTGTGGGTCAGCAAGAATGGGAGCAGCCC[G>A]TCCAGGTCAGCAGTGGAGCCCCGGGACACGATGTCAAAGAGGATAGGCCGGTTGAAGACT-3'
Protein context (NP_067638.3, residues 157-177): IVSRGSTADL[Asp167=]GLLPFLLTHK